The following is an entry in ClinVar:

NM_002317.7(LOX):c.144G>A (p.Trp48Ter)

Genes: LOX (lysyl oxidase; minus strand), SRFBP1 (serum response factor binding protein 1; plus strand). Cytogenetic location: 5q23.1.
Variant type: single nucleotide variant.
Coding change: c.144G>A on transcript NM_002317.7 (MANE Select); coding-DNA position 144, G replaced by A.
Protein change: p.Trp48Ter; replaces tryptophan 48 with a stop codon.
Molecular consequence: nonsense.
Genome position (GRCh38, 1-based): chr5:122,077,842, C>T on the plus strand (G>A on the coding strand, the complement: LOX is on the minus strand). VCF-style: chr5-122077842-C-T. GRCh37 (hg19) VCF-style: chr5-121413537-C-T.
Other names: short protein forms W48*.
Identifiers: ClinVar variation 1806188 (VCV001806188.2), dbSNP rs2532918070, ClinGen allele CA360878025.

ClinVar aggregate classification (germline): Likely pathogenic (1 of 4 stars; one submission).

Conditions:
Aortic aneurysm, familial thoracic 10 (AAT10). Identifiers: MedGen C4284414, MONDO:0014950, OMIM 617168.

Submission:

Victorian Clinical Genetics Services, Murdoch Childrens Research Institute
Classification: Likely pathogenic for Aortic aneurysm, familial thoracic 10. Last evaluated: 2023-07-17. Review status: criteria provided, single submitter. Criteria: ACMG Guidelines, 2015. Collection method: clinical testing. Allele origin: germline. Inheritance: Autosomal dominant inheritance. Affected: yes.
Comment: Based on the classification scheme VCGS_Germline_v1.3.4, this variant is classified as Likely pathogenic. Following criteria are met: 0102 - Loss of function is a known mechanism of disease in this gene and is associated with familial thoracic aortic aneurysm 10 (MIM#617168). (I) 0107 - This gene is associated with autosomal dominant disease. (I) 0115 - Variants in this gene are known to have variable expressivity (PMID: 26838787). (I) 0202 - Variant is predicted to cause nonsense-mediated decay (NMD) and loss of protein (premature termination codon is located at least 54 nucleotides upstream of the final exon-exon junction), but is located in an exon that may undergo alternative splicing. (SP) 0219 - This variant is non-coding in an alternative transcript. However, it is coding in the full length LOX transcript, which has the highest expression in heart tissues and encompasses the pro-peptide domain that is relevant for protein localisation and function (GTEx, PMIDs: 25017124, 29086201). (I) 0251 - This variant is heterozygous. (I) 0301 - Variant is absent from gnomAD (both v2 and v3). (SP) 0703 - Other variants predicted to result in NMD comparable to the one identified in this case have moderate previous evidence for pathogenicity. At least four other variants predicted to result in NMD and that are exclusive to NM_002317.6 (located in exon 1), have been reported pathogenic in individuals with familial thoracic aortic aneurysm (ClinVar, Decipher, PMID: 26838787). (SP) 0807 - This variant has no previous evidence of pathogenicity. (I) 0905 - No published segregation evidence has been identified for this variant. (I) 1007 - No published functional evidence has been identified for this variant. (I) 1208 - Inheritance information for this variant is not currently available in this individual. (I) Legend: (SP) - Supporting pathogenic, (I) - Information, (SB) - Supporting benign

Literature cited by the submitters: PubMed 25017124; PubMed 26838787; PubMed 29086201.